The following is an entry in ClinVar:

NM_033026.6(PCLO):c.2653G>A (p.Ala885Thr)

Gene: PCLO (piccolo presynaptic cytomatrix protein; minus strand). Cytogenetic location: 7q21.11.
Variant type: single nucleotide variant.
Coding change: c.2653G>A on transcript NM_033026.6 (MANE Select); coding-DNA position 2653, G replaced by A.
Protein change: p.Ala885Thr; replaces alanine 885 with threonine.
Molecular consequence: missense variant.
Genome position (GRCh38, 1-based): chr7:83,134,897, C>T on the plus strand (G>A on the coding strand, the complement: PCLO is on the minus strand). VCF-style: chr7-83134897-C-T. GRCh37 (hg19) VCF-style: chr7-82764213-C-T.
Other names: c.2653G>A, p.Ala885Thr (NM_014510.3); short protein forms A885T.
Identifiers: ClinVar variation 1416422 (VCV001416422.5), dbSNP rs201657775, ClinGen allele CA4321230.

ClinVar aggregate classification (germline): Uncertain significance. Review status: criteria provided, multiple submitters, no conflicts (2 of 4 stars). 2 submissions from 2 submitters: Uncertain significance (2). Last evaluated 2024-01-15.

Allele frequency attached by ClinVar (database versions not stated): gnomAD 0.00005 and 0.00006; gnomAD exomes 0.00007; TOPMed 0.00007; ExAC 0.00008; 1000 Genomes Project 30x 0.00016; 1000 Genomes Project 0.00020.
gnomAD v4.1: 92 of 1,601,924 alleles (0.0057%); highest among the groups gnomAD compares: Admixed American, 0.015%; no homozygotes.

Submissions (2):

Labcorp Genetics (formerly Invitae), Labcorp
Classification: Uncertain significance. Last evaluated: 2024-01-15. Review status: criteria provided, single submitter. Criteria: Invitae Variant Classification Sherloc (09022015). Collection method: clinical testing. Allele origin: germline.
Comment: This sequence change replaces alanine, which is neutral and non-polar, with threonine, which is neutral and polar, at codon 885 of the PCLO protein (p.Ala885Thr). This variant is present in population databases (rs201657775, gnomAD 0.02%). This variant has not been reported in the literature in individuals affected with PCLO-related conditions. ClinVar contains an entry for this variant (Variation ID: 1416422). Algorithms developed to predict the effect of missense changes on protein structure and function output the following: SIFT: "Not Available"; PolyPhen-2: "Not Available"; Align-GVGD: "Not Available". The threonine amino acid residue is found in multiple mammalian species, which suggests that this missense change does not adversely affect protein function. In summary, the available evidence is currently insufficient to determine the role of this variant in disease. Therefore, it has been classified as a Variant of Uncertain Significance.

Breakthrough Genomics
Classification: Uncertain significance. Review status: criteria provided, single submitter. Criteria: ACMG Guidelines, 2015. Collection method: not provided. Allele origin: germline. Inheritance: Autosomal recessive inheritance. Affected: yes.